The following is an entry in ClinVar:

ClinVar aggregate classification (germline): Conflicting classifications of pathogenicity. Review status: criteria provided, conflicting classifications (1 of 4 stars). 2 submissions from 2 submitters: Uncertain significance (1); Likely benign (1). Last evaluated 2025-02-10.

Conditions:
Inborn genetic diseases. Identifiers: MedGen C0950123, MeSH D030342.

Allele frequency attached by ClinVar (database versions not stated): ExAC 0.00002.
gnomAD v4.1: 4 of 1,602,288 alleles (0.00025%); highest among the groups gnomAD compares: South Asian, 0.0044%; no homozygotes.

Submissions (2):

Ambry Genetics
Classification: Likely benign for Inborn genetic diseases. Last evaluated: 2025-02-10. Review status: criteria provided, single submitter. Criteria: Ambry Variant Classification Scheme 2023. Collection method: clinical testing. Allele origin: germline.

Labcorp Genetics (formerly Invitae), Labcorp
Classification: Uncertain significance. Last evaluated: 2022-09-07. Review status: criteria provided, single submitter. Criteria: Invitae Variant Classification Sherloc (09022015). Collection method: clinical testing. Allele origin: germline.
Comment: In summary, the available evidence is currently insufficient to determine the role of this variant in disease. Therefore, it has been classified as a Variant of Uncertain Significance. Algorithms developed to predict the effect of missense changes on protein structure and function are either unavailable or do not agree on the potential impact of this missense change (SIFT: "Tolerated"; PolyPhen-2: "Possibly Damaging"; Align-GVGD: "Class C0"). This variant has not been reported in the literature in individuals affected with ASXL1-related conditions. This variant is present in population databases (rs762682866, gnomAD 0.01%). This sequence change replaces lysine, which is basic and polar, with arginine, which is basic and polar, at codon 84 of the ASXL1 protein (p.Lys84Arg).

NM_015338.6(ASXL1):c.251A>G (p.Lys84Arg)

Gene: ASXL1 (ASXL transcriptional regulator 1; plus strand). Cytogenetic location: 20q11.21.
Variant type: single nucleotide variant.
Coding change: c.251A>G on transcript NM_015338.6 (MANE Select); coding-DNA position 251, A replaced by G.
Protein change: p.Lys84Arg; replaces lysine 84 with arginine.
Molecular consequence: missense variant.
Genome position (GRCh38, 1-based): chr20:32,369,122, A>G. VCF-style: chr20-32369122-A-G. GRCh37 (hg19) VCF-style: chr20-30956925-A-G.
Other names: c.251A>G, p.Lys84Arg (NM_001164603.1); c.221A>G, p.Lys74Arg (NM_001363734.1); short protein forms K84R, K74R.
Identifiers: ClinVar variation 1936503 (VCV001936503.6), dbSNP rs762682866, ClinGen allele CA9808021.